The following is an entry in ClinVar:

NM_004519.4(KCNQ3):c.80A>G (p.Asn27Ser)

Gene: KCNQ3 (potassium voltage-gated channel subfamily Q member 3; minus strand). Cytogenetic location: 8q24.22.
Variant type: single nucleotide variant.
Coding change: c.80A>G on transcript NM_004519.4 (MANE Select); coding-DNA position 80, A replaced by G.
Protein change: p.Asn27Ser; replaces asparagine 27 with serine.
Molecular consequence: missense variant.
Genome position (GRCh38, 1-based): chr8:132,480,453, T>C on the plus strand (A>G on the coding strand, the complement: KCNQ3 is on the minus strand). VCF-style: chr8-132480453-T-C. GRCh37 (hg19) VCF-style: chr8-133492700-T-C.
Other names: short protein forms N27S.
Identifiers: ClinVar variation 1342805 (VCV001342805.2), dbSNP rs1342457621, ClinGen allele CA372292935.

ClinVar aggregate classification (germline): Uncertain significance (1 of 4 stars; one submission).

Submission:

GeneDx
Classification: Uncertain significance. Last evaluated: 2021-08-31. Review status: criteria provided, single submitter. Criteria: GeneDx Variant Classification Process June 2021. Collection method: clinical testing. Allele origin: germline. Affected: yes.
Comment: In silico analysis supports that this missense variant does not alter protein structure/function; Has not been previously published as pathogenic or benign to our knowledge